The following is an entry in ClinVar:

NM_015474.4(SAMHD1):c.1720G>A (p.Ala574Thr)

Gene: SAMHD1 (SAM and HD domain containing deoxynucleoside triphosphate triphosphohydrolase 1; minus strand). Cytogenetic location: 20q11.23.
Variant type: single nucleotide variant.
Coding change: c.1720G>A on transcript NM_015474.4 (MANE Select); coding-DNA position 1720, G replaced by A.
Protein change: p.Ala574Thr; replaces alanine 574 with threonine.
Molecular consequence: missense variant.
Genome position (GRCh38, 1-based): chr20:36,897,848, C>T on the plus strand (G>A on the coding strand, the complement: SAMHD1 is on the minus strand). VCF-style: chr20-36897848-C-T. GRCh37 (hg19) VCF-style: chr20-35526251-C-T.
Other names: c.1615G>A, p.Ala539Thr (NM_001363729.2); c.1720G>A, p.Ala574Thr (NM_001363733.2); short protein forms A574T, A539T.
Identifiers: ClinVar variation 1927254 (VCV001927254.2), dbSNP rs2515217271, ClinGen allele CA408839364.

ClinVar aggregate classification (germline): Uncertain significance (1 of 4 stars; one submission).

Conditions:
Aicardi-Goutieres syndrome 5. Identifiers: Orphanet 51, MedGen C2749659, MONDO:0013059, OMIM 612952.

Submission:

Labcorp Genetics (formerly Invitae), Labcorp
Classification: Uncertain significance for Aicardi-Goutieres syndrome 5. Last evaluated: 2022-07-13. Review status: criteria provided, single submitter. Criteria: Invitae Variant Classification Sherloc (09022015). Collection method: clinical testing. Allele origin: germline.
Comment: This sequence change replaces alanine, which is neutral and non-polar, with threonine, which is neutral and polar, at codon 574 of the SAMHD1 protein (p.Ala574Thr). This variant is not present in population databases (gnomAD no frequency). This variant has not been reported in the literature in individuals affected with SAMHD1-related conditions. Algorithms developed to predict the effect of missense changes on protein structure and function (SIFT, PolyPhen-2, Align-GVGD) all suggest that this variant is likely to be tolerated. In summary, the available evidence is currently insufficient to determine the role of this variant in disease. Therefore, it has been classified as a Variant of Uncertain Significance.